The following is an entry in ClinVar:

NM_000057.4(BLM):c.2555+7T>C

Gene: BLM (BLM RecQ like helicase; plus strand). Cytogenetic location: 15q26.1.
Variant type: single nucleotide variant.
Coding change: c.2555+7T>C on transcript NM_000057.4 (MANE Select); 7 bases into the intron after coding-DNA position 2555, T replaced by C.
Molecular consequence: intron variant.
Genome position (GRCh38, 1-based): chr15:90,769,593, T>C. VCF-style: chr15-90769593-T-C. GRCh37 (hg19) VCF-style: chr15-91312823-T-C.
Other names: p.?; c.2555+7T>C (NM_001287246.2, NM_001287247.2); c.1430+7T>C (NM_001287248.2).
Identifiers: ClinVar variation 92392 (VCV000092392.43), dbSNP rs3815003, ClinGen allele CA145692.

ClinVar aggregate classification (germline): Benign/Likely benign. Review status: criteria provided, multiple submitters, no conflicts (2 of 4 stars). 15 submissions from 15 submitters: Benign (12); Likely benign (1). 2 of the submissions do not count toward it. Last evaluated 2026-02-04.

Conditions:
Bloom syndrome (BLM). Also called: Bloom-Torre-Machacek syndrome. Identifiers: Orphanet 125, MedGen C0005859, MONDO:0008876, OMIM 210900.
Hereditary cancer-predisposing syndrome. Also called: Neoplastic Syndromes, Hereditary; Hereditary Cancer Syndrome; Tumor predisposition; Hereditary neoplastic syndrome. Identifiers: Orphanet 140162, MedGen C0027672, MeSH D009386, MONDO:0015356.

Allele frequency attached by ClinVar (database versions not stated): gnomAD exomes 0.27985 and 0.28110; ExAC 0.29559; gnomAD 0.36253 and 0.37072; 1000 Genomes Project 0.36661; TOPMed 0.37043; 1000 Genomes Project 30x 0.37492; ESP Exome Variant Server 0.38193.
gnomAD v4.1: 465,738 of 1,612,356 alleles (29%); highest among the groups gnomAD compares: African/African-American, 59%; 72,224 homozygotes.

Submissions (15):

Labcorp Genetics (formerly Invitae), Labcorp
Classification: Benign for Bloom syndrome. Last evaluated: 2026-02-04. Review status: criteria provided, single submitter. Criteria: Invitae Variant Classification Sherloc (09022015). Collection method: clinical testing. Allele origin: germline.

ARUP Laboratories, Molecular Genetics and Genomics, ARUP Laboratories
Classification: Benign for Bloom syndrome. Last evaluated: 2025-07-28. Review status: criteria provided, single submitter. Criteria: ARUP Molecular Germline Variant Investigation Process 2024. Collection method: clinical testing. Allele origin: germline.

GeneKor MSA
Classification: Benign for Hereditary cancer-predisposing syndrome. Last evaluated: 2025-07-10. Review status: criteria provided, single submitter. Criteria: ACMG Guidelines, 2015. Collection method: clinical testing. Allele origin: germline.

Blueprint Genetics
Classification: Likely benign. Last evaluated: 2024-11-27. Review status: criteria provided, single submitter. Criteria: ACMG Guidelines, 2015. Collection method: clinical testing. Allele origin: germline.

KCCC/NGS Laboratory, Kuwait Cancer Control Center
Classification: Benign for Bloom syndrome. Last evaluated: 2023-07-07. Review status: criteria provided, single submitter. Criteria: ACMG Guidelines, 2015. Collection method: clinical testing. Allele origin: germline. Affected: yes.

Mayo Clinic Laboratories, Mayo Clinic
Classification: Benign. Last evaluated: 2022-09-06. Review status: criteria provided, single submitter. Criteria: ACMG Guidelines, 2015. Collection method: clinical testing. Allele origin: germline. Observed: 119 variant alleles.

Genome-Nilou Lab
Classification: Benign for Bloom syndrome. Last evaluated: 2021-07-01. Review status: criteria provided, single submitter. Criteria: ACMG Guidelines, 2015. Collection method: clinical testing. Allele origin: germline. Affected: no.

Illumina Laboratory Services, Illumina
Classification: Benign for Bloom syndrome. Last evaluated: 2018-01-13. Review status: criteria provided, single submitter. Criteria: ICSL Variant Classification Criteria 13 December 2019. Collection method: clinical testing. Allele origin: germline.
Comment: This variant was observed in the ICSL laboratory as part of a predisposition screen in an ostensibly healthy population. It had not been previously curated by ICSL or reported in the Human Gene Mutation Database (HGMD: prior to June 1st, 2018), and was therefore a candidate for classification through an automated scoring system. Utilizing variant allele frequency, disease prevalence and penetrance estimates, and inheritance mode, an automated score was calculated to assess if this variant is too frequent to cause the disease. Based on the score and internal cut-off values, a variant classified as benign is not then subjected to further curation. The score for this variant resulted in a classification of benign for this disease.

Laboratory for Molecular Medicine, Mass General Brigham Personalized Medicine
Classification: Benign. Last evaluated: 2016-03-28. Review status: criteria provided, single submitter. Criteria: LMM Criteria. Collection method: clinical testing. Allele origin: germline.
Comment: Variant identified in a genome or exome case(s) and assessed due to predicted null impact of the variant or pathogenic assertions in the literature or databases. Disclaimer: This variant has not undergone full assessment. The following are preliminary notes: Frequency

GeneDx
Classification: Benign. Last evaluated: 2015-03-03. Review status: criteria provided, single submitter. Criteria: GeneDx Variant Classification Process June 2021. Collection method: clinical testing. Allele origin: germline. Affected: yes.

Eurofins Ntd Llc (ga)
Classification: Benign. Last evaluated: 2013-07-29. Review status: criteria provided, single submitter. Criteria: EGL Classification Definitions 2015. Collection method: clinical testing. Allele origin: germline. Observed: 6 variant alleles, 4 heterozygotes, 2 homozygotes.

Breakthrough Genomics
Classification: Benign. Review status: criteria provided, single submitter. Criteria: ACMG Guidelines, 2015. Collection method: not provided. Allele origin: germline. Inheritance: Autosomal recessive inheritance. Affected: yes.

PreventionGenetics, part of Exact Sciences
Classification: Benign. Review status: criteria provided, single submitter. Criteria: ACMG Guidelines, 2015. Collection method: clinical testing. Allele origin: germline.

Natera, Inc.
Classification: Benign for Bloom syndrome. Last evaluated: 2017-03-28. Review status: no assertion criteria provided. Collection method: clinical testing. Allele origin: germline. Not counted in ClinVar's aggregate classification.

Genetic Services Laboratory, University of Chicago
Classification: Likely benign for AllHighlyPenetrant. Review status: no assertion criteria provided. Collection method: clinical testing. Allele origin: germline. Inheritance: Autosomal recessive inheritance. Not counted in ClinVar's aggregate classification.
Comment: Likely benign based on allele frequency in 1000 Genomes Project or ESP global frequency and its presence in a patient with a rare or unrelated disease phenotype. NOT Sanger confirmed.